The following is an entry in ClinVar:

ClinVar aggregate classification (germline): Likely benign. Review status: criteria provided, multiple submitters, no conflicts (2 of 4 stars). 2 submissions from 2 submitters: Likely benign (2). Last evaluated 2025-03-20.

Conditions:
Juvenile polyposis/hereditary hemorrhagic telangiectasia syndrome (JPHT). Also called: Juvenile Polyposis Syndrome / Hereditary Hemorrhagic Telangiectasia (JPS/HHT); JP/HHT SYNDROME; JUVENILE POLYPOSIS WITH HEREDITARY HEMORRHAGIC TELANGIECTASIA; POLYPOSIS, GENERALIZED JUVENILE, WITH PULMONARY ARTERIOVENOUS MALFORMATION; TELANGIECTASIA, HEREDITARY HEMORRHAGIC, WITH JUVENILE POLYPOSIS COLI. Identifiers: Orphanet 2929, MedGen C1832942, MONDO:0008278, OMIM 175050.

Submissions (2):

Myriad Genetics, Inc.
Classification: Likely benign for Juvenile polyposis/hereditary hemorrhagic telangiectasia syndrome. Last evaluated: 2025-03-20. Review status: criteria provided, single submitter. Criteria: Myriad Autosomal Dominant, Autosomal Recessive and X-Linked Classification Criteria (2023). Collection method: clinical testing. Allele origin: unknown.
Comment: This variant is considered likely benign. This variant is intronic and is not expected to impact mRNA splicing.

All of Us Research Program, National Institutes of Health
Classification: Likely benign for Juvenile polyposis/hereditary hemorrhagic telangiectasia syndrome. Last evaluated: 2023-02-15. Review status: criteria provided, single submitter. Criteria: ACMG Guidelines, 2015. Collection method: clinical testing. Allele origin: germline. Inheritance: Autosomal dominant inheritance. Observed: 1 variant allele, 1 heterozygote.
Comment: This study involves interpretation of variants in research participants for the purpose of population health screening. Participant phenotype was not available at the time of variant classification. Additional details can be found in publication PMID: 35346344, PMCID: PMC8962531

NM_005359.6(SMAD4):c.905-7T>C

Gene: SMAD4 (SMAD family member 4; plus strand). Cytogenetic location: 18q21.2.
Variant type: single nucleotide variant.
Coding change: c.905-7T>C on transcript NM_005359.6 (MANE Select); 7 bases into the intron before coding-DNA position 905, T replaced by C.
Molecular consequence: intron variant.
Genome position (GRCh38, 1-based): chr18:51,059,859, T>C. VCF-style: chr18-51059859-T-C. GRCh37 (hg19) VCF-style: chr18-48586229-T-C.
Other names: c.905-7T>C (NM_001407042.1, NM_001407041.1, NM_001407043.1).
Identifiers: ClinVar variation 3069368 (VCV003069368.2), dbSNP rs2511378652, ClinGen allele CA2641838254.
Genomic context (GRCh38, chr18:51,059,859, plus strand): 5'-ACTGAAAGTTTTAGCATTAGACAACTTTTAGTAAATAAAAATGGAATTTTTGTTGTCTTT[T>C]CTTTAGGGCCTGTTCACAATGAGCTTGCATTCCAGCCTCCCATTTCCAATCATCCTGGTA-3'